The following is an entry in ClinVar:

NM_003924.4(PHOX2B):c.670C>A (p.Pro224Thr)

Gene: PHOX2B (paired like homeobox 2B; minus strand). Cytogenetic location: 4p13.
Variant type: single nucleotide variant.
Coding change: c.670C>A on transcript NM_003924.4 (MANE Select); coding-DNA position 670, C replaced by A.
Protein change: p.Pro224Thr; replaces proline 224 with threonine.
Molecular consequence: missense variant.
Genome position (GRCh38, 1-based): chr4:41,746,082, G>T on the plus strand (C>A on the coding strand, the complement: PHOX2B is on the minus strand). VCF-style: chr4-41746082-G-T. GRCh37 (hg19) VCF-style: chr4-41748099-G-T.
Other names: short protein forms P224T.
Identifiers: ClinVar variation 406402 (VCV000406402.16), dbSNP rs1060501118, ClinGen allele CA16611442.

ClinVar aggregate classification (germline): Uncertain significance. Review status: criteria provided, multiple submitters, no conflicts (2 of 4 stars). 4 submissions from 4 submitters: Uncertain significance (4). Last evaluated 2025-05-21.

Conditions:
Hereditary cancer-predisposing syndrome. Also called: Hereditary Cancer Syndrome; Hereditary neoplastic syndrome; Neoplastic Syndromes, Hereditary; Tumor predisposition. Identifiers: Orphanet 140162, MedGen C0027672, MeSH D009386, MONDO:0015356.
Neuroblastoma, susceptibility to, 2. Identifiers: Orphanet 635, MedGen C2751682, MONDO:0700041, OMIM 613013.
Haddad syndrome (OHD). Also called: Ondine-Hirschsprung disease. Identifiers: Orphanet 99803, MedGen C1859049, MONDO:0020493.

Allele frequency attached by ClinVar (database versions not stated): gnomAD exomes below 0.00001; gnomAD 0.00001.
gnomAD v4.1: 3 of 1,507,506 alleles (0.0002%); highest among the groups gnomAD compares: Admixed American, 0.006%; no homozygotes.

Submissions (4):

Ambry Genetics
Classification: Uncertain significance for Hereditary cancer-predisposing syndrome. Last evaluated: 2025-05-21. Review status: criteria provided, single submitter. Criteria: Ambry Variant Classification Scheme 2023. Collection method: clinical testing. Allele origin: germline.
Comment: The p.P224T variant (also known as c.670C>A), located in coding exon 3 of the PHOX2B gene, results from a C to A substitution at nucleotide position 670. The proline at codon 224 is replaced by threonine, an amino acid with highly similar properties. This amino acid position is not well conserved on limited sequence alignment. In addition, this alteration is predicted to be tolerated by in silico analysis. Since supporting evidence is limited at this time, the clinical significance of this alteration remains unclear.

Labcorp Genetics (formerly Invitae), Labcorp
Classification: Uncertain significance for Haddad syndrome. Last evaluated: 2025-01-27. Review status: criteria provided, single submitter. Criteria: Invitae Variant Classification Sherloc (09022015). Collection method: clinical testing. Allele origin: germline.
Comment: This sequence change replaces proline, which is neutral and non-polar, with threonine, which is neutral and polar, at codon 224 of the PHOX2B protein (p.Pro224Thr). The frequency data for this variant in the population databases is considered unreliable, as metrics indicate poor data quality at this position in the gnomAD database. This variant has not been reported in the literature in individuals affected with PHOX2B-related conditions. ClinVar contains an entry for this variant (Variation ID: 406402). Invitae Evidence Modeling of protein sequence and biophysical properties (such as structural, functional, and spatial information, amino acid conservation, physicochemical variation, residue mobility, and thermodynamic stability) indicates that this missense variant is not expected to disrupt PHOX2B protein function with a negative predictive value of 80%. In summary, the available evidence is currently insufficient to determine the role of this variant in disease. Therefore, it has been classified as a Variant of Uncertain Significance.

Baylor Genetics
Classification: Uncertain significance for Neuroblastoma, susceptibility to, 2. Last evaluated: 2023-05-22. Review status: criteria provided, single submitter. Criteria: ACMG Guidelines, 2015. Collection method: clinical testing. Allele origin: unknown.

AiLife Diagnostics
Classification: Uncertain significance. Last evaluated: 2021-07-06. Review status: criteria provided, single submitter. Criteria: ACMG Guidelines, 2015. Collection method: clinical testing. Allele origin: germline. Affected: yes. Observed: 1 variant allele.